The following is an entry in ClinVar:

NM_001032386.2(SUOX):c.599del (p.Pro200fs)

Gene: SUOX (sulfite oxidase; plus strand). Cytogenetic location: 12q13.2.
Variant type: Deletion.
Coding change: c.599del on transcript NM_001032386.2 (MANE Select); coding-DNA position 599, one base deleted (C; older notation c.599delC).
Protein change: p.Pro200fs; shifts the reading frame from proline 200.
Molecular consequence: frameshift variant.
Genome position (GRCh38, 1-based): chr12:56,003,988, C deleted; the last of 5 consecutive C bases (chr12:56,003,984-56,003,988); deleting any one gives the same sequence. VCF-style (leftmost placement, unchanged base first): chr12-56003983-TC-T. GRCh37 (hg19) VCF-style: chr12-56397767-TC-T.
Other names: c.599del, p.Pro200fs (NM_000456.3, NM_001032387.2); short protein forms P200fs.
Identifiers: ClinVar variation 2869986 (VCV002869986.3), dbSNP rs2540576238, ClinGen allele CA480365873.
Genomic context (GRCh38, chr12:56,003,983, plus strand): 5'-TGATCCTGTACGTCACCCAGCCCTGAAGGTCAACAGCCAGCGGCCCTTTAATGCAGAGCC[TC>T]CCCCTGAGCTGCTGACAGAAAACTACATCACACCCAACCCTATCTTCTTCACCCGGAACC-3'

ClinVar aggregate classification (germline): Pathogenic (1 of 4 stars; one submission).

Conditions:
Sulfite oxidase deficiency. Also called: Isolated sulfite oxidase deficiency. Identifiers: Orphanet 833, Orphanet 99731, MedGen C0268624, MONDO:0010089, OMIM 272300, HP:0003643.

Submission:

Labcorp Genetics (formerly Invitae), Labcorp
Classification: Pathogenic for Sulfite oxidase deficiency. Last evaluated: 2023-09-17. Review status: criteria provided, single submitter. Criteria: Invitae Variant Classification Sherloc (09022015). Collection method: clinical testing. Allele origin: germline.
Comment: This variant is not present in population databases (gnomAD no frequency). For these reasons, this variant has been classified as Pathogenic. This variant disrupts a region of the SUOX protein in which other variant(s) (p.Arg529*) have been determined to be pathogenic (PMID: 17940249, 28980090). This suggests that this is a clinically significant region of the protein, and that variants that disrupt it are likely to be disease-causing. This variant has not been reported in the literature in individuals affected with SUOX-related conditions. This sequence change creates a premature translational stop signal (p.Pro200Leufs*4) in the SUOX gene. While this is not anticipated to result in nonsense mediated decay, it is expected to disrupt the last 346 amino acid(s) of the SUOX protein.

Literature cited by the submitters: PubMed 17940249; PubMed 28980090.